The following is an entry in ClinVar:

ClinVar aggregate classification (germline): Conflicting classifications of pathogenicity. Review status: criteria provided, conflicting classifications (1 of 4 stars). 3 submissions from 3 submitters: Likely pathogenic (1); Uncertain significance (2). Last evaluated 2025-12-04.

Conditions:
Hereditary cancer-predisposing syndrome. Also called: Neoplastic Syndromes, Hereditary; Hereditary neoplastic syndrome; Hereditary Cancer Syndrome; Tumor predisposition. Identifiers: Orphanet 140162, MedGen C0027672, MeSH D009386, MONDO:0015356.
Retinoblastoma (RB1). Also called: RETINOBLASTOMA, SOMATIC. Identifiers: Orphanet 790, MedGen C0035335, MeSH D012175, MONDO:0008380, OMIM 180200, HP:0009919. Disease mechanism: loss of function. Inheritance: Both sporadic and heritable forms are tested..

Submissions (3):

Ambry Genetics
Classification: Uncertain significance for Hereditary cancer-predisposing syndrome. Last evaluated: 2025-12-04. Review status: criteria provided, single submitter. Criteria: Ambry Variant Classification Scheme 2023. Collection method: clinical testing. Allele origin: germline.
Comment: The c.501-2A>G intronic variant results from an A to G substitution two nucleotides upstream from coding exon 5 in the RB1 gene. This nucleotide position is highly conserved in available vertebrate species. In silico splice site analysis predicts that this alteration will weaken the native splice acceptor site. RNA studies have demonstrated that this alteration results in a transcript predicted to lead to a protein with an in-frame deletion of 13 amino acids. Another alteration impacting this same exon (c.539+1G>A) has been shown to have a similar impact on splicing and has been reported in patients with unilateral retinoblastoma and sarcoma (Ambry internal data; S&aacute;nchez F et al. J Med Genet, 2000 Aug;37:615-20; Chai P et al. Exp Eye Res, 2021 Apr;205:108456; Singh J et al. Mol Vis, 2016 Aug;22:1036-47; Personal communication). Based on the available evidence, the clinical significance of this variant remains unclear.

Labcorp Genetics (formerly Invitae), Labcorp
Classification: Uncertain significance for Retinoblastoma. Last evaluated: 2025-06-16. Review status: criteria provided, single submitter. Criteria: Invitae Variant Classification Sherloc (09022015). Collection method: clinical testing. Allele origin: germline.
Comment: This sequence change affects an acceptor splice site in intron 4 of the RB1 gene. RNA analysis indicates that disruption of this splice site induces altered splicing and likely results in a shortened protein product. This variant is not present in population databases (gnomAD no frequency). This variant has not been reported in the literature in individuals affected with RB1-related conditions. ClinVar contains an entry for this variant (Variation ID: 2428939). Studies have shown that disruption of this splice site results in skipping of exon 5 (loss of 13 amino acid residues), but is expected to preserve the integrity of the reading-frame (internal data). In summary, the available evidence is currently insufficient to determine the role of this variant in disease. Therefore, it has been classified as a Variant of Uncertain Significance.

GeneDx
Classification: Likely pathogenic. Last evaluated: 2023-02-02. Review status: criteria provided, single submitter. Criteria: GeneDx Variant Classification Process June 2021. Collection method: clinical testing. Allele origin: germline. Affected: yes.
Comment: Observed in an individual with unilateral retinoblastoma (Abouzeid et al., 2007); Canonical splice site variant expected to result in aberrant splicing, although in the absence of functional evidence the actual effect of this sequence change is unknown.; Not observed at significant frequency in large population cohorts (gnomAD); This variant is associated with the following publications: (PMID: 36497448, 17960112, 27535533)

NM_000321.3(RB1):c.501-2A>G

Gene: RB1 (RB transcriptional corepressor 1; plus strand). Cytogenetic location: 13q14.2.
Variant type: single nucleotide variant.
Coding change: c.501-2A>G on transcript NM_000321.3 (MANE Select); the canonical splice acceptor site of the intron before coding-DNA position 501, A replaced by G.
Molecular consequence: splice acceptor variant.
Genome position (GRCh38, 1-based): chr13:48,347,823, A>G. VCF-style: chr13-48347823-A-G. GRCh37 (hg19) VCF-style: chr13-48921959-A-G.
Other names: c.501-2A>G (NM_000321.2, NM_001407165.1, NM_001407166.1).
Identifiers: ClinVar variation 2428939 (VCV002428939.12), dbSNP rs2138091518, ClinGen allele CA388156770.